The following continues an entry in ClinVar:

NM_000051.4(ATM):c.3118A>G (p.Met1040Val)

Gene: ATM. ClinVar aggregate classification (germline): Benign. Benign (1).

Submissions 17 to 32 of 32:

GeneDx
Classification: Benign. Last evaluated: 2013-11-26. Review status: criteria provided, single submitter. Criteria: GeneDx Variant Classification (06012015). Collection method: clinical testing. Allele origin: germline. Affected: yes. Not counted in ClinVar's aggregate classification.
Comment: This variant is considered likely benign or benign based on one or more of the following criteria: it is a conservative change, it occurs at a poorly conserved position in the protein, it is predicted to be benign by multiple in silico algorithms, and/or has population frequency not consistent with disease.

Breakthrough Genomics
Classification: Benign. Review status: criteria provided, single submitter. Criteria: ACMG Guidelines, 2015. Collection method: not provided. Allele origin: germline. Inheritance: Autosomal recessive inheritance. Affected: yes. Not counted in ClinVar's aggregate classification.

PreventionGenetics, part of Exact Sciences
Classification: Benign. Review status: criteria provided, single submitter. Criteria: ACMG Guidelines, 2015. Collection method: clinical testing. Allele origin: germline. Not counted in ClinVar's aggregate classification.

Natera, Inc.
Classification: Benign for Ataxia-telangiectasia. Last evaluated: 2019-11-08. Review status: no assertion criteria provided. Collection method: clinical testing. Allele origin: germline. Not counted in ClinVar's aggregate classification.

True Health Diagnostics
Classification: Likely benign for Hereditary cancer-predisposing syndrome. Last evaluated: 2018-01-05. Review status: no assertion criteria provided. Collection method: clinical testing. Allele origin: germline. Not counted in ClinVar's aggregate classification.

ITMI
No classification provided. Condition: AllHighlyPenetrant. Last evaluated: 2013-09-19. Review status: no classification provided. Collection method: reference population. Allele origin: germline. Not counted in ClinVar's aggregate classification.
Comment: Please see associated publication for description of ethnicities

OMIM
Classification: Pathogenic for B-CELL NON-HODGKIN LYMPHOMA, SOMATIC. Last evaluated: 1997-09-01. Review status: no assertion criteria provided. Collection method: literature only. Allele origin: somatic. Not counted in ClinVar's aggregate classification.

Clinical Genetics Laboratory, Department of Pathology, Netherlands Cancer Institute
Classification: Benign. Review status: no assertion criteria provided. Collection method: clinical testing. Allele origin: germline. Affected: yes. Study: VKGL Data-share Consensus. Not counted in ClinVar's aggregate classification.

Clinical Genetics, Academic Medical Center
Classification: Benign. Review status: no assertion criteria provided. Collection method: clinical testing. Allele origin: germline. Affected: yes. Study: VKGL Data-share Consensus. Not counted in ClinVar's aggregate classification.

Department of Pathology and Laboratory Medicine, Sinai Health System
Classification: Benign. Review status: no assertion criteria provided. Collection method: clinical testing. Allele origin: unknown. Affected: yes. Observed: 1 variant allele. Study: The Canadian Open Genetics Repository (COGR). Not counted in ClinVar's aggregate classification.
Comment: The ATM p.Met1040Val variant was identified in 18 of 1214 proband chromosomes (frequency: 0.01) from individuals or families with breast cancer or non-Hodgkin lymphoma (Thorstenson 2001, Bretsky 2003, Sipahimalani 2007). The variant was also identified in ClinVar (benign 4x: GeneDx, Ambry Genetics, Invitae, Prevention Genetics; likely benign 3x: Mercy Hospital, Illumina, University of Chicago; not provided 1x: ITMI) unconfirmed somatic 1x: OMIM), COSMIC (2 lymphoid neoplasms, somatic status unknown), MutDB (link to UniProtKB/Swiss-Prot database, variant is unclassified with poor conservation across species), databases. The variant was not identified in the GeneInsight-COGR, LOVD 3.0, or ATM-LOVD databases. The variant was identified in control databases in 1095 (27 homozygous) of 277102 chromosomes at a frequency of 0.004 increasing the likelihood this could be a low frequency benign variant (Genome Aggregation Consortium Feb 27, 2017). The variant was identified in the following populations at a frequency greater than 1%: African in 1012 of 24020 chromosomes (freq: 0.042). The p.Met1040Val residue is conserved in in mammals but not in more distantly related organisms however computational analyses (PolyPhen-2, SIFT, AlignGVGD, BLOSUM, MutationTaster) do not suggest a high likelihood of impact to the protein; this information is not predictive enough to rule out pathogenicity. The variant occurs outside of the splicing consensus sequence and 1 of 5 in silico or computational prediction software programs (SpliceSiteFinder, MaxEntScan, NNSPLICE, GeneSplicer, and HumanSpliceFinder) predict a greater than 10% difference in splicing; this is not very predictive of pathogenicity. In summary, based on the above information, this variant meets our laboratory's criteria to be classified as benign.

Diagnostic Laboratory, Department of Genetics, University Medical Center Groningen
Classification: Likely benign. Review status: no assertion criteria provided. Collection method: clinical testing. Allele origin: germline. Affected: yes. Study: VKGL Data-share Consensus. Not counted in ClinVar's aggregate classification.

Genetic Services Laboratory, University of Chicago
Classification: Likely benign for AllHighlyPenetrant. Review status: no assertion criteria provided. Collection method: clinical testing. Allele origin: germline. Inheritance: Autosomal recessive inheritance. Not counted in ClinVar's aggregate classification.
Comment: Likely benign based on allele frequency in 1000 Genomes Project or ESP global frequency and its presence in a patient with a rare or unrelated disease phenotype. NOT Sanger confirmed.

Genome Diagnostics Laboratory, Amsterdam University Medical Center
Classification: Benign. Review status: no assertion criteria provided. Collection method: clinical testing. Allele origin: germline. Affected: yes. Study: VKGL Data-share Consensus. Not counted in ClinVar's aggregate classification.

Genome Diagnostics Laboratory, University Medical Center Utrecht
Classification: Benign. Review status: no assertion criteria provided. Collection method: clinical testing. Allele origin: germline. Affected: yes. Study: VKGL Data-share Consensus. Not counted in ClinVar's aggregate classification.

Joint Genome Diagnostic Labs from Nijmegen and Maastricht, Radboudumc and MUMC+
Classification: Benign. Review status: no assertion criteria provided. Collection method: clinical testing. Allele origin: germline. Affected: yes. Study: VKGL Data-share Consensus. Not counted in ClinVar's aggregate classification.

Laboratory of Diagnostic Genome Analysis, Leiden University Medical Center (LUMC)
Classification: Benign. Review status: no assertion criteria provided. Collection method: clinical testing. Allele origin: germline. Affected: yes. Study: VKGL Data-share Consensus. Not counted in ClinVar's aggregate classification.

Literature cited by the submitters: PubMed 25085752 (cited by Myriad Genetics, Inc.); PubMed 25625042 (cited by Athena Diagnostics and Women's Health and Genetics/Laboratory Corporation of America, LabCorp); PubMed 25480502 (cited by Athena Diagnostics and Women's Health and Genetics/Laboratory Corporation of America, LabCorp); PubMed 24728327 (cited by Athena Diagnostics and ITMI); PubMed 22529920 (cited by Athena Diagnostics and Women's Health and Genetics/Laboratory Corporation of America, LabCorp); PubMed 20305132 (cited by Athena Diagnostics and Women's Health and Genetics/Laboratory Corporation of America, LabCorp); PubMed 17640065 (cited by Athena Diagnostics and Women's Health and Genetics/Laboratory Corporation of America, LabCorp); PubMed 12935933 (cited by Athena Diagnostics and Women's Health and Genetics/Laboratory Corporation of America, LabCorp); PubMed 9622061 (cited by Athena Diagnostics and Women's Health and Genetics/Laboratory Corporation of America, LabCorp); PubMed 9288106 (cited by Athena Diagnostics and OMIM); PubMed 11443540 (cited by Athena Diagnostics).